The following is an entry in ClinVar:

NM_007294.4(BRCA1):c.1396C>G (p.Arg466Gly)

Gene: BRCA1 (BRCA1 DNA repair associated; minus strand). Cytogenetic location: 17q21.31.
Variant type: single nucleotide variant.
Coding change: c.1396C>G on transcript NM_007294.4 (MANE Select); coding-DNA position 1396, C replaced by G.
Protein change: p.Arg466Gly; replaces arginine 466 with glycine.
Molecular consequence: missense variant. On other transcripts: intron variant (137).
Genome position (GRCh38, 1-based): chr17:43,094,135, G>C on the plus strand (C>G on the coding strand, the complement: BRCA1 is on the minus strand). VCF-style: chr17-43094135-G-C. GRCh37 (hg19) VCF-style: chr17-41246152-G-C.
Other names: c.1396C>G (NM_007300.3); c.1183C>G, p.Arg395Gly (NM_001407571.1, NM_001407915.1, NM_001407853.1 and 9 more transcripts); c.1396C>G, p.Arg466Gly (NM_001407581.1, NM_001407582.1, NM_001407583.1 and 30 more transcripts); c.1393C>G, p.Arg465Gly (NM_001407587.1, NM_001407590.1, NM_001407591.1 and 22 more transcripts); c.1270C>G, p.Arg424Gly (NM_001407649.1, NM_001407670.1, NM_001407671.1 and 11 more transcripts); c.1318C>G, p.Arg440Gly (NM_001407653.1, NM_001407654.1, NM_001407655.1 and 4 more transcripts); c.1315C>G, p.Arg439Gly (NM_001407659.1, NM_001407660.1, NM_001407661.1 and 1 more transcripts); c.1273C>G, p.Arg425Gly (NM_001407674.1, NM_001407675.1, NM_001407676.1 and 19 more transcripts); and 41 more; short protein forms R466G, R419G, R298G, R354G, R398G, R465G, R338G, R377G.
Identifiers: ClinVar variation 54240 (VCV000054240.52), dbSNP rs80356964, ClinGen allele CA000938.

ClinVar aggregate classification (germline): Conflicting classifications of pathogenicity. Review status: criteria provided, conflicting classifications (1 of 4 stars). 16 submissions from 16 submitters: Uncertain significance (10); Likely benign (1). 5 of the submissions do not count toward it. Last evaluated 2025-10-06.

Conditions:
BRCA1-related disorder. Also called: BRCA1-related condition.
Hereditary cancer-predisposing syndrome. Also called: Hereditary Cancer Syndrome; Tumor predisposition; Neoplastic Syndromes, Hereditary; Hereditary neoplastic syndrome. Identifiers: Orphanet 140162, MedGen C0027672, MeSH D009386, MONDO:0015356.
Breast and/or ovarian cancer. Identifiers: MedGen CN221562.
Hereditary breast ovarian cancer syndrome. Also called: Breast and ovarian cancer; BRCA1- and BRCA2-Associated Hereditary Breast and Ovarian Cancer; Hereditary breast and ovarian cancer; Hereditary breast and ovarian cancer syndrome (HBOC); Hereditary breast and ovarian cancer syndrome; Hereditary breast and/or ovarian cancer syndrome. Identifiers: Orphanet 145, MedGen C0677776, MeSH D061325, MONDO:0003582. Disease mechanism: loss of function.
Breast-ovarian cancer, familial, susceptibility to, 1 (BROVCA1). Also called: BRCA1 Hereditary Breast and Ovarian Cancer; OVARIAN CANCER, SUSCEPTIBILITY TO. Identifiers: Orphanet 145, MedGen C2676676, MONDO:0011450, OMIM 604370. Disease mechanism: loss of function.

gnomAD v4.1: 3 of 1,613,992 alleles (0.00019%); highest among the groups gnomAD compares: Middle Eastern, 0.049%; no homozygotes.

Submissions 1 to 10 of 16:

Labcorp Genetics (formerly Invitae), Labcorp
Classification: Uncertain significance for Hereditary breast ovarian cancer syndrome. Last evaluated: 2025-10-06. Review status: criteria provided, single submitter. Criteria: Invitae Variant Classification Sherloc (09022015). Collection method: clinical testing. Allele origin: germline.
Comment: This sequence change replaces arginine, which is basic and polar, with glycine, which is neutral and non-polar, at codon 466 of the BRCA1 protein (p.Arg466Gly). This variant is not present in population databases (gnomAD no frequency). This missense change has been observed in individual(s) with BRCA1-related conditions (PMID: 32885271). ClinVar contains an entry for this variant (Variation ID: 54240). Invitae Evidence Modeling of protein sequence and biophysical properties (such as structural, functional, and spatial information, amino acid conservation, physicochemical variation, residue mobility, and thermodynamic stability) indicates that this missense variant is not expected to disrupt BRCA1 protein function with a negative predictive value of 80%. In summary, the available evidence is currently insufficient to determine the role of this variant in disease. Therefore, it has been classified as a Variant of Uncertain Significance.

GeneDx
Classification: Uncertain significance. Last evaluated: 2025-08-07. Review status: criteria provided, single submitter. Criteria: GeneDx Variant Classification Process June 2021. Collection method: clinical testing. Allele origin: germline. Affected: yes.
Comment: In silico analysis supports that this missense variant has a deleterious effect on protein structure/function; Not observed at significant frequency in large population cohorts (gnomAD); Also known as 1515C>G; Observed in individuals with a personal and/or family history of breast and/or ovarian cancer, in one patient co-occurring with a BRCA1 pathogenic variant (PMID: 22425665, 30199306, 32885271, 39541563, 40257527); This variant is associated with the following publications: (PMID: 16518693, 31131967, 12531920, 22425665, 30199306, 29884841, 32377563, 31911673, 32885271, 40257527, 15343273, 39541563)

Ambry Genetics
Classification: Uncertain significance for Hereditary cancer-predisposing syndrome. Last evaluated: 2025-05-09. Review status: criteria provided, single submitter. Criteria: Ambry Variant Classification Scheme 2023. Collection method: clinical testing. Allele origin: germline.
Comment: The p.R466G variant (also known as c.1396C>G), located in coding exon 9 of the BRCA1 gene, results from a C to G substitution at nucleotide position 1396. The arginine at codon 466 is replaced by glycine, an amino acid with dissimilar properties. This variant has been reported in breast cancer cohorts (Burk-Herrick A et al. Mamm Genome, 2006 Mar;17:257-70; Tazzite A et al. Gynecol Oncol, 2012 Jun;125:687-92; Abulkhair O et al. J Glob Oncol, 2018 Aug;4:1-9; Lerner-Ellis J et al. J Cancer Res Clin Oncol, 2021 Mar;147:871-879; Rawashdeh RR et al. JCO Glob Oncol, 2024 Nov;10:e2400352). This amino acid position is not well conserved in available vertebrate species. In addition, the in silico prediction for this alteration is inconclusive. Based on the available evidence, the clinical significance of this variant remains unclear.

PreventionGenetics, part of Exact Sciences
Classification: Uncertain significance for BRCA1-related condition. Last evaluated: 2025-02-26. Review status: criteria provided, single submitter. Criteria: ACMG Guidelines, 2015. Collection method: clinical testing. Allele origin: germline.
Comment: The BRCA1 c.1396C>G variant is predicted to result in the amino acid substitution p.Arg466Gly. This variant was reported in an individual with breast cancer (Abulkhair et al. 2018. PubMed ID: 30199306) and co-occurred with a BRCA1 pathogenic variant in another individual with breast cancer (Supplemental data, Lerner-Ellis et al. 2020. PubMed ID: 32885271). This variant has not been reported in a large population database (gnomAD), indicating this variant is rare. This variant has conflicting interpretations regarding its pathogenicity in ClinVar, ranging from likely benign to uncertain. At this time, the clinical significance of this variant is uncertain due to the absence of conclusive functional and genetic evidence.

Quest Diagnostics Nichols Institute San Juan Capistrano
Classification: Uncertain significance. Last evaluated: 2025-01-07. Review status: criteria provided, single submitter. Criteria: Quest Diagnostics criteria. Collection method: clinical testing. Allele origin: unknown.
Comment: The BRCA1 c.1396C>G (p.Arg466Gly) variant has been reported in the published literature in individuals with breast and/or ovarian cancer (PMIDs: 32885271 (2021), 30199306 (2018), 22425665 (2012)), and is described to be located in a region of the BRCA1 gene that is tolerant to missense sequence changes (PMID: 31911673 (2020)). This variant has not been reported in large, multi-ethnic general populations (Genome Aggregation Database). Analysis of this variant using bioinformatics tools for the prediction of the effect of amino acid changes on protein structure and function yielded conflicting predictions that this variant is benign or damaging. Based on the available information, we are unable to determine the clinical significance of this variant.

CeGaT Center for Human Genetics Tuebingen
Classification: Uncertain significance. Last evaluated: 2025-01-01. Review status: criteria provided, single submitter. Criteria: CeGaT Center For Human Genetics Tuebingen Variant Classification Criteria Version 2. Collection method: clinical testing. Allele origin: germline. Affected: yes. Observed: 1 variant allele.
Comment: BRCA1: PM2, PS4:Moderate, BP1, BP5

Color Diagnostics, LLC DBA Color Health
Classification: Uncertain significance for Hereditary cancer-predisposing syndrome. Last evaluated: 2023-06-08. Review status: criteria provided, single submitter. Criteria: ACMG Guidelines, 2015. Collection method: clinical testing. Allele origin: germline.
Comment: This missense variant replaces arginine with glycine at codon 466 of the BRCA1 protein. Computational prediction suggests that this variant may not impact protein structure and function (internally defined REVEL score threshold <= 0.5, PMID: 27666373). To our knowledge, functional studies have not been reported for this variant. This variant has been reported in two individuals affected with breast or ovarian cancer (PMID: 22425665, 30199306) and in a multifactorial analysis with likelihood ratios for pathogenicity based on co-occurrence with a pathogenic covariant and family history of 1.0673 and 0.9148, respectively (PMID: 31131967). This variant also has been reported in an individual affected with ovarian cancer that exhibited microsatellite instability and loss of MSH6 and the presence of a BRCA1 truncation variant in the last coding exon (PMID: 32885271). This variant has not been identified in the general population by the Genome Aggregation Database (gnomAD). The available evidence is insufficient to determine the role of this variant in disease conclusively. Therefore, this variant is classified as a Variant of Uncertain Significance.

Blueprint Genetics
Classification: Uncertain significance. Last evaluated: 2023-03-29. Review status: criteria provided, single submitter. Criteria: ACMG Guidelines, 2015. Collection method: clinical testing. Allele origin: germline.

University of Washington Department of Laboratory Medicine, University of Washington
Classification: Likely benign for Hereditary cancer-predisposing syndrome. Last evaluated: 2023-03-23. Review status: criteria provided, single submitter. Criteria: Dines et al. (Genet Med. 2020). Collection method: curation. Allele origin: germline.
Comment: Missense variant in a coldspot region where missense variants are very unlikely to be pathogenic (PMID:31911673).

BRCA1 coldspot (exon 11 using historical exon numbering). Reclassification based on statistical prior probability

CHEO Genetics Diagnostic Laboratory, Children's Hospital of Eastern Ontario
Classification: Uncertain significance for Breast and/or ovarian cancer. Last evaluated: 2023-01-18. Review status: criteria provided, single submitter. Criteria: ACMG Guidelines, 2015. Collection method: clinical testing. Allele origin: germline.